The following is an entry in ClinVar:

NM_182961.4(SYNE1):c.25403G>A (p.Arg8468His)

Gene: SYNE1 (spectrin repeat containing nuclear envelope protein 1; minus strand). Cytogenetic location: 6q25.2.
Variant type: single nucleotide variant.
Coding change: c.25403G>A on transcript NM_182961.4 (MANE Select); coding-DNA position 25403, G replaced by A.
Protein change: p.Arg8468His; replaces arginine 8468 with histidine.
Molecular consequence: missense variant.
Genome position (GRCh38, 1-based): chr6:152,140,005, C>T on the plus strand (G>A on the coding strand, the complement: SYNE1 is on the minus strand). VCF-style: chr6-152140005-C-T. GRCh37 (hg19) VCF-style: chr6-152461140-C-T.
Other names: c.2009G>A, p.Arg670His (NM_001347701.2); c.1937G>A, p.Arg646His (NM_001347702.2); c.25259G>A, p.Arg8420His (NM_033071.5); short protein forms R8468H, R8420H, R646H, R670H.
Identifiers: ClinVar variation 288649 (VCV000288649.17), dbSNP rs143049227, ClinGen allele CA4052852.

ClinVar aggregate classification (germline): Conflicting classifications of pathogenicity. Review status: criteria provided, conflicting classifications (1 of 4 stars). 6 submissions from 6 submitters: Uncertain significance (3); Likely benign (3). Last evaluated 2026-08-01.

Conditions:
Emery-Dreifuss muscular dystrophy 4, autosomal dominant (EDMD4). Also called: EMERY-DREIFUSS MUSCULAR DYSTROPHY 4 WITH VARIABLE FEATURES. Identifiers: Orphanet 261, MedGen C2751807, MONDO:0013071, OMIM 612998.
Autosomal recessive ataxia, Beauce type. Also called: SYNE1-Related Autosomal Recessive Cerebellar Ataxia; SYNE1 Deficiency; ATAXIA, RECESSIVE, OF BEAUCE; Spinocerebellar ataxia, autosomal recessive 8. Identifiers: Orphanet 88644, MedGen C1853116, MONDO:0012549, OMIM 610743.

Allele frequency attached by ClinVar (database versions not stated): ESP Exome Variant Server 0.00015; ExAC 0.00019; TOPMed 0.00021; gnomAD exomes 0.00022; gnomAD 0.00035.
gnomAD v4.1: 351 of 1,614,022 alleles (0.022%); highest among the groups gnomAD compares: African/African-American, 0.032%; 2 homozygotes.

Submissions (6):

CeGaT Center for Human Genetics Tuebingen
Classification: Likely benign. Last evaluated: 2026-08-01. Review status: criteria provided, single submitter. Criteria: CeGaT Center For Human Genetics Tuebingen Variant Classification Criteria Version 2. Collection method: clinical testing. Allele origin: germline. Affected: yes. Observed: 1 variant allele.
Comment: SYNE1: BP4

Labcorp Genetics (formerly Invitae), Labcorp
Classification: Uncertain significance for Emery-Dreifuss muscular dystrophy 4, autosomal dominant; Autosomal recessive ataxia, Beauce type. Last evaluated: 2025-10-02. Review status: criteria provided, single submitter. Criteria: Invitae Variant Classification Sherloc (09022015). Collection method: clinical testing. Allele origin: germline.
Comment: This sequence change replaces arginine, which is basic and polar, with histidine, which is basic and polar, at codon 8420 of the SYNE1 protein (p.Arg8420His). This variant is present in population databases (rs143049227, gnomAD 0.1%). This variant has not been reported in the literature in individuals affected with SYNE1-related conditions. ClinVar contains an entry for this variant (Variation ID: 288649). An algorithm developed to predict the effect of missense changes on protein structure and function outputs the following: PolyPhen-2: "Benign". The histidine amino acid residue is found in multiple mammalian species, which suggests that this missense change does not adversely affect protein function. In summary, the available evidence is currently insufficient to determine the role of this variant in disease. Therefore, it has been classified as a Variant of Uncertain Significance.

GeneDx
Classification: Uncertain significance. Last evaluated: 2025-06-13. Review status: criteria provided, single submitter. Criteria: GeneDx Variant Classification Process June 2021. Collection method: clinical testing. Allele origin: germline.
Comment: In silico analysis suggests that this missense variant does not alter protein structure/function; Has not been previously published as pathogenic or benign to our knowledge

Blueprint Genetics
Classification: Likely benign. Last evaluated: 2024-11-20. Review status: criteria provided, single submitter. Criteria: ACMG Guidelines, 2015. Collection method: clinical testing. Allele origin: germline.

Revvity Omics, Revvity
Classification: Likely benign. Last evaluated: 2024-06-05. Review status: criteria provided, single submitter. Criteria: ACMG Guidelines, 2015. Collection method: clinical testing. Allele origin: germline.

Eurofins Ntd Llc (ga)
Classification: Uncertain significance. Last evaluated: 2018-03-08. Review status: criteria provided, single submitter. Criteria: EGL ClinVar v180209 classification definitions. Collection method: clinical testing. Allele origin: germline. Observed: 2 variant alleles, 2 heterozygotes.